The following continues an entry in ClinVar:

NM_016098.4(MPC1):c.303C>T (p.His101=)

Gene: MPC1. ClinVar aggregate classification (germline): Benign. Benign (2).

Submissions 68 to 103 of 129:

Dr. Peter K. Rogan Lab, Western University
No classification provided (evidence only). Condition: Hepatocellular carcinoma. Review status: no classification provided. Collection method: in vitro. Allele origin: not applicable. Functional consequence: retained intron. Not counted in ClinVar's aggregate classification.

Dr. Peter K. Rogan Lab, Western University
No classification provided (evidence only). Condition: Hepatocellular carcinoma. Review status: no classification provided. Collection method: in vitro. Allele origin: not applicable. Functional consequence: skipped exon, retained intron. Not counted in ClinVar's aggregate classification.

Dr. Peter K. Rogan Lab, Western University
No classification provided (evidence only). Condition: Hepatocellular carcinoma. Review status: no classification provided. Collection method: in vitro. Allele origin: not applicable. Functional consequence: retained intron. Not counted in ClinVar's aggregate classification.

Dr. Peter K. Rogan Lab, Western University
No classification provided (evidence only). Condition: Hepatocellular carcinoma. Review status: no classification provided. Collection method: in vitro. Allele origin: not applicable. Functional consequence: retained intron. Not counted in ClinVar's aggregate classification.

Dr. Peter K. Rogan Lab, Western University
No classification provided (evidence only). Condition: Hepatocellular carcinoma. Review status: no classification provided. Collection method: in vitro. Allele origin: not applicable. Functional consequence: skipped exon, retained intron. Not counted in ClinVar's aggregate classification.

Dr. Peter K. Rogan Lab, Western University
No classification provided (evidence only). Condition: Hepatocellular carcinoma. Review status: no classification provided. Collection method: in vitro. Allele origin: not applicable. Functional consequence: retained intron. Not counted in ClinVar's aggregate classification.

Dr. Peter K. Rogan Lab, Western University
No classification provided (evidence only). Condition: Nonpapillary renal cell carcinoma. Review status: no classification provided. Collection method: in vitro. Allele origin: not applicable. Functional consequence: retained intron. Not counted in ClinVar's aggregate classification.

Dr. Peter K. Rogan Lab, Western University
No classification provided (evidence only). Condition: Nonpapillary renal cell carcinoma. Review status: no classification provided. Collection method: in vitro. Allele origin: not applicable. Functional consequence: retained intron. Not counted in ClinVar's aggregate classification.

Dr. Peter K. Rogan Lab, Western University
No classification provided (evidence only). Condition: Nonpapillary renal cell carcinoma. Review status: no classification provided. Collection method: in vitro. Allele origin: not applicable. Functional consequence: skipped exon, retained intron. Not counted in ClinVar's aggregate classification.

Dr. Peter K. Rogan Lab, Western University
No classification provided (evidence only). Condition: Nonpapillary renal cell carcinoma. Review status: no classification provided. Collection method: in vitro. Allele origin: not applicable. Functional consequence: skipped exon, retained intron. Not counted in ClinVar's aggregate classification.

Dr. Peter K. Rogan Lab, Western University
No classification provided (evidence only). Condition: Nonpapillary renal cell carcinoma. Review status: no classification provided. Collection method: in vitro. Allele origin: not applicable. Functional consequence: skipped exon, retained intron. Not counted in ClinVar's aggregate classification.

Dr. Peter K. Rogan Lab, Western University
No classification provided (evidence only). Condition: Thymoma. Review status: no classification provided. Collection method: in vitro. Allele origin: not applicable. Functional consequence: retained intron. Not counted in ClinVar's aggregate classification.

Dr. Peter K. Rogan Lab, Western University
No classification provided (evidence only). Condition: Thymoma. Review status: no classification provided. Collection method: in vitro. Allele origin: not applicable. Functional consequence: retained intron. Not counted in ClinVar's aggregate classification.

Dr. Peter K. Rogan Lab, Western University
No classification provided (evidence only). Condition: Thymoma. Review status: no classification provided. Collection method: in vitro. Allele origin: not applicable. Functional consequence: retained intron. Not counted in ClinVar's aggregate classification.

Dr. Peter K. Rogan Lab, Western University
No classification provided (evidence only). Condition: Thymoma. Review status: no classification provided. Collection method: in vitro. Allele origin: not applicable. Functional consequence: retained intron. Not counted in ClinVar's aggregate classification.

Dr. Peter K. Rogan Lab, Western University
No classification provided (evidence only). Condition: Thymoma. Review status: no classification provided. Collection method: in vitro. Allele origin: not applicable. Functional consequence: skipped exon, retained intron. Not counted in ClinVar's aggregate classification.

Dr. Peter K. Rogan Lab, Western University
No classification provided (evidence only). Condition: Thymoma. Review status: no classification provided. Collection method: in vitro. Allele origin: not applicable. Functional consequence: retained intron. Not counted in ClinVar's aggregate classification.

Dr. Peter K. Rogan Lab, Western University
No classification provided (evidence only). Condition: Thymoma. Review status: no classification provided. Collection method: in vitro. Allele origin: not applicable. Functional consequence: retained intron. Not counted in ClinVar's aggregate classification.

Dr. Peter K. Rogan Lab, Western University
No classification provided (evidence only). Condition: Thymoma. Review status: no classification provided. Collection method: in vitro. Allele origin: not applicable. Functional consequence: retained intron. Not counted in ClinVar's aggregate classification.

Dr. Peter K. Rogan Lab, Western University
No classification provided (evidence only). Condition: Thymoma. Review status: no classification provided. Collection method: in vitro. Allele origin: not applicable. Functional consequence: retained intron. Not counted in ClinVar's aggregate classification.

Dr. Peter K. Rogan Lab, Western University
No classification provided (evidence only). Condition: Thymoma. Review status: no classification provided. Collection method: in vitro. Allele origin: not applicable. Functional consequence: retained intron. Not counted in ClinVar's aggregate classification.

Dr. Peter K. Rogan Lab, Western University
No classification provided (evidence only). Condition: Thymoma. Review status: no classification provided. Collection method: in vitro. Allele origin: not applicable. Functional consequence: skipped exon, retained intron. Not counted in ClinVar's aggregate classification.

Dr. Peter K. Rogan Lab, Western University
No classification provided (evidence only). Condition: Cholangiocarcinoma. Review status: no classification provided. Collection method: in vitro. Allele origin: not applicable. Functional consequence: skipped exon, retained intron. Not counted in ClinVar's aggregate classification.

Dr. Peter K. Rogan Lab, Western University
No classification provided (evidence only). Condition: Cholangiocarcinoma. Review status: no classification provided. Collection method: in vitro. Allele origin: not applicable. Functional consequence: retained intron. Not counted in ClinVar's aggregate classification.

Dr. Peter K. Rogan Lab, Western University
No classification provided (evidence only). Condition: Cholangiocarcinoma. Review status: no classification provided. Collection method: in vitro. Allele origin: not applicable. Functional consequence: skipped exon, retained intron. Not counted in ClinVar's aggregate classification.

Dr. Peter K. Rogan Lab, Western University
No classification provided (evidence only). Condition: Cholangiocarcinoma. Review status: no classification provided. Collection method: in vitro. Allele origin: not applicable. Functional consequence: retained intron. Not counted in ClinVar's aggregate classification.

Dr. Peter K. Rogan Lab, Western University
No classification provided (evidence only). Condition: Cholangiocarcinoma. Review status: no classification provided. Collection method: in vitro. Allele origin: not applicable. Functional consequence: retained intron. Not counted in ClinVar's aggregate classification.

Dr. Peter K. Rogan Lab, Western University
No classification provided (evidence only). Condition: Adrenocortical carcinoma, hereditary. Review status: no classification provided. Collection method: in vitro. Allele origin: not applicable. Functional consequence: retained intron. Not counted in ClinVar's aggregate classification.

Dr. Peter K. Rogan Lab, Western University
No classification provided (evidence only). Condition: Adrenocortical carcinoma, hereditary. Review status: no classification provided. Collection method: in vitro. Allele origin: not applicable. Functional consequence: retained intron. Not counted in ClinVar's aggregate classification.

Dr. Peter K. Rogan Lab, Western University
No classification provided (evidence only). Condition: Adrenocortical carcinoma, hereditary. Review status: no classification provided. Collection method: in vitro. Allele origin: not applicable. Functional consequence: retained intron. Not counted in ClinVar's aggregate classification.

Dr. Peter K. Rogan Lab, Western University
No classification provided (evidence only). Condition: Uveal melanoma. Review status: no classification provided. Collection method: in vitro. Allele origin: not applicable. Functional consequence: skipped exon. Not counted in ClinVar's aggregate classification.

Dr. Peter K. Rogan Lab, Western University
No classification provided (evidence only). Condition: Uveal melanoma. Review status: no classification provided. Collection method: in vitro. Allele origin: not applicable. Functional consequence: retained intron. Not counted in ClinVar's aggregate classification.

Dr. Peter K. Rogan Lab, Western University
No classification provided (evidence only). Condition: Uveal melanoma. Review status: no classification provided. Collection method: in vitro. Allele origin: not applicable. Functional consequence: skipped exon, retained intron. Not counted in ClinVar's aggregate classification.

Dr. Peter K. Rogan Lab, Western University
No classification provided (evidence only). Condition: Uveal melanoma. Review status: no classification provided. Collection method: in vitro. Allele origin: not applicable. Functional consequence: retained intron. Not counted in ClinVar's aggregate classification.

Dr. Peter K. Rogan Lab, Western University
No classification provided (evidence only). Condition: Uveal melanoma. Review status: no classification provided. Collection method: in vitro. Allele origin: not applicable. Functional consequence: retained intron. Not counted in ClinVar's aggregate classification.

Dr. Peter K. Rogan Lab, Western University
No classification provided (evidence only). Condition: Chronic lymphocytic leukemia/small lymphocytic lymphoma. Review status: no classification provided. Collection method: in vitro. Allele origin: not applicable. Functional consequence: skipped exon, retained intron. Not counted in ClinVar's aggregate classification.